The following is an entry in ClinVar:

NM_001844.5(COL2A1):c.2042G>T (p.Gly681Val)

Gene: COL2A1 (collagen type II alpha 1 chain; minus strand). Cytogenetic location: 12q13.11.
Variant type: single nucleotide variant.
Coding change: c.2042G>T on transcript NM_001844.5 (MANE Select); coding-DNA position 2042, G replaced by T.
Protein change: p.Gly681Val; replaces glycine 681 with valine.
Molecular consequence: missense variant.
Genome position (GRCh38, 1-based): chr12:47,983,392, C>A on the plus strand (G>T on the coding strand, the complement: COL2A1 is on the minus strand). VCF-style: chr12-47983392-C-A. GRCh37 (hg19) VCF-style: chr12-48377175-C-A.
Other names: c.1835G>T, p.Gly612Val (NM_033150.3); short protein forms G612V, G681V.
Identifiers: ClinVar variation 1066650 (VCV001066650.9), dbSNP rs2136554860, ClinGen allele CA384547838.

ClinVar aggregate classification (germline): Likely pathogenic (1 of 4 stars; one submission).

Submission:

Labcorp Genetics (formerly Invitae), Labcorp
Classification: Likely pathogenic. Last evaluated: 2020-05-31. Review status: criteria provided, single submitter. Criteria: Invitae Variant Classification Sherloc (09022015). Collection method: clinical testing. Allele origin: germline.
Comment: This variant is not present in population databases (ExAC no frequency). In summary, the currently available evidence indicates that the variant is pathogenic, but additional data are needed to prove that conclusively. Therefore, this variant has been classified as Likely Pathogenic. Glycine residues within the Gly-Xaa-Yaa repeats of the triple helix domain are required for the structure and stability of fibrillar collagens (PMID: 7695699, 8218237, 19344236). In COL2A1, missense variants at these glycine residues are significantly enriched in individuals with disease (PMID: 10612821, 26443184) compared to the general population (ExAC). This variant has not been reported in the literature in individuals with COL2A1-related conditions. This sequence change replaces glycine with valine at codon 681 of the COL2A1 protein (p.Gly681Val). The glycine residue is highly conserved and there is a moderate physicochemical difference between glycine and valine.

Literature cited by the submitters: PubMed 7695699; PubMed 8218237; PubMed 19344236; PubMed 10612821; PubMed 26443184.